The following is an entry in ClinVar:

ClinVar aggregate classification (germline): Pathogenic (1 of 4 stars; one submission).

Conditions:
Fanconi anemia complementation group C (FANCC). Also called: FANCC-Related Fanconi Anemia; FANCONI PANCYTOPENIA, TYPE 3; FACC; Fanconi anemia, group C. Identifiers: Orphanet 84, MedGen C3468041, MONDO:0009213, OMIM 227645.

Submission:

Women's Health and Genetics/Laboratory Corporation of America, LabCorp
Classification: Pathogenic for Fanconi anemia complementation group C. Last evaluated: 2025-11-04. Review status: criteria provided, single submitter. Criteria: LabCorp Variant Classification Summary - May 2015. Collection method: clinical testing. Allele origin: germline.
Comment: Variant summary: The variant involves the deletion of exon 3 in the FANCC gene. A presumed nomenclature of c.(165+1_166-1)_(250+1_251-1)del has been designated for the purposes of this classification. This Copy Number Variant (CNV) is expected to alter the reading frame and predicted to result in a truncation or absence of the encoded protein due to nonsense mediated decay (NMD). Loss-of-function variants in this gene are known to be pathogenic. The variant was absent in 21694 control chromosomes. To our knowledge, no occurrence of c.(165+1_166-1)_(250+1_251-1)del in individuals affected with FANCC-related conditions and no experimental evidence demonstrating its impact on protein function have been reported. ClinVar contains an entry for this variant (Variation ID: 1454577). Based on the evidence outlined above, the variant was classified as pathogenic.

NC_000009.11:g.(98003026_98009713)_(98009799_98011408)del

Gene: FANCC (FA complementation group C; minus strand). Cytogenetic location: 9q22.32.
Variant type: Deletion.
Identifiers: ClinVar variation 4537068 (VCV004537068.1).